The following is an entry in ClinVar:

NM_000138.5(FBN1):c.8483C>A (p.Ser2828Ter)

Gene: FBN1 (fibrillin 1; minus strand). Cytogenetic location: 15q21.1.
Variant type: single nucleotide variant.
Coding change: c.8483C>A on transcript NM_000138.5 (MANE Select); coding-DNA position 8483, C replaced by A.
Protein change: p.Ser2828Ter; replaces serine 2828 with a stop codon.
Molecular consequence: nonsense.
Genome position (GRCh38, 1-based): chr15:48,411,123, G>T on the plus strand (C>A on the coding strand, the complement: FBN1 is on the minus strand). VCF-style: chr15-48411123-G-T. GRCh37 (hg19) VCF-style: chr15-48703320-G-T.
Other names: c.8483C>A, p.Ser2828Ter (NM_001406716.1); short protein forms S2828*.
Identifiers: ClinVar variation 2954229 (VCV002954229.3), dbSNP rs397515864, ClinGen allele CA392318845.
Genomic context (GRCh38, chr15:48,411,123, plus strand): 5'-TTGTCTTCTAGTTGGTTAAGTTCTTTCTTTTTATAAAGTGGAGTACTACTGATTTGTAAT[G>T]AATAGGTTCCAGCCACTGGCTTCTTCTTTGTGAAGTGGAGGTAGCTGATCCCTTCCTTTT-3'

ClinVar aggregate classification (germline): Pathogenic (1 of 4 stars; one submission).

Conditions:
Marfan syndrome (MFS). Also called: MARFAN SYNDROME, TYPE I; Marfan syndrome type 1; Marfan's syndrome; Marfan syndrome, classic; FBN1-Related Marfan Syndrome. Identifiers: Orphanet 284963, Orphanet 558, MedGen C0024796, MONDO:0007947, OMIM 154700.
Familial thoracic aortic aneurysm and aortic dissection (TAAD). Also called: Thoracic aortic aneurysms and dissections. Identifiers: Orphanet 91387, MedGen C4707243, MONDO:0019625.

Submission:

Labcorp Genetics (formerly Invitae), Labcorp
Classification: Pathogenic for Marfan syndrome; Familial thoracic aortic aneurysm and aortic dissection. Last evaluated: 2025-09-03. Review status: criteria provided, single submitter. Criteria: Invitae Variant Classification Sherloc (09022015). Collection method: clinical testing. Allele origin: germline.
Comment: This sequence change creates a premature translational stop signal (p.Ser2828*) in the FBN1 gene. While this is not anticipated to result in nonsense mediated decay, it is expected to disrupt the last 44 amino acid(s) of the FBN1 protein. This variant is not present in population databases (gnomAD no frequency). This premature translational stop signal has been observed in individual(s) with Marfan syndrome (PMID: 24793577). ClinVar contains an entry for this variant (Variation ID: 2954229). This variant disrupts a region of the FBN1 protein in which other variant(s) (p.Gln2867*) have been determined to be pathogenic (PMID: 19293843). This suggests that this is a clinically significant region of the protein, and that variants that disrupt it are likely to be disease-causing. For these reasons, this variant has been classified as Pathogenic.

Literature cited by the submitters: PubMed 24793577; PubMed 19293843.